The following is an entry in ClinVar:

ClinVar aggregate classification (germline): Uncertain significance (1 of 4 stars; one submission).

Conditions:
Familial cold autoinflammatory syndrome 2 (FCAS2). Identifiers: Orphanet 247868, MedGen C2673198, MONDO:0012724, OMIM 611762.

Allele frequency attached by ClinVar (database versions not stated): TOPMed below 0.00001; gnomAD 0.00001; gnomAD exomes 0.00001; ExAC 0.00002.
gnomAD v4.1: 7 of 1,614,004 alleles (0.00043%); highest among the groups gnomAD compares: Admixed American, 0.0067%; no homozygotes.

Submission:

Labcorp Genetics (formerly Invitae), Labcorp
Classification: Uncertain significance for Familial cold autoinflammatory syndrome 2. Last evaluated: 2024-04-15. Review status: criteria provided, single submitter. Criteria: Invitae Variant Classification Sherloc (09022015). Collection method: clinical testing. Allele origin: germline.
Comment: This sequence change replaces leucine, which is neutral and non-polar, with proline, which is neutral and non-polar, at codon 720 of the NLRP12 protein (p.Leu720Pro). This variant is present in population databases (rs747596009, gnomAD 0.009%). This variant has not been reported in the literature in individuals affected with NLRP12-related conditions. An algorithm developed to predict the effect of missense changes on protein structure and function (PolyPhen-2) suggests that this variant is likely to be disruptive. In summary, the available evidence is currently insufficient to determine the role of this variant in disease. Therefore, it has been classified as a Variant of Uncertain Significance.

NM_144687.4(NLRP12):c.2159T>C (p.Leu720Pro)

Gene: NLRP12 (NLR family pyrin domain containing 12; minus strand). Cytogenetic location: 19q13.42.
Variant type: single nucleotide variant.
Coding change: c.2159T>C on transcript NM_144687.4 (MANE Select); coding-DNA position 2159, T replaced by C.
Protein change: p.Leu720Pro; replaces leucine 720 with proline.
Molecular consequence: missense variant.
Genome position (GRCh38, 1-based): chr19:53,807,579, A>G on the plus strand (T>C on the coding strand, the complement: NLRP12 is on the minus strand). VCF-style: chr19-53807579-A-G. GRCh37 (hg19) VCF-style: chr19-54310833-A-G.
Other names: c.2162T>C, p.Leu721Pro (NM_001277126.2); c.2159T>C, p.Leu720Pro (NM_001277129.1); short protein forms L720P, L721P.
Identifiers: ClinVar variation 2733816 (VCV002733816.3), dbSNP rs747596009, ClinGen allele CA9639208.